The following is an entry in ClinVar:

ClinVar aggregate classification (germline): Likely benign (1 of 4 stars; one submission).

Allele frequency attached by ClinVar (database versions not stated): gnomAD 0.00002; TOPMed 0.00003; gnomAD exomes 0.00004; ExAC 0.00007.
gnomAD v4.1: 60 of 1,613,740 alleles (0.0037%); highest among the groups gnomAD compares: South Asian, 0.027%; no homozygotes.

Submission:

CeGaT Center for Human Genetics Tuebingen
Classification: Likely benign. Last evaluated: 2022-08-01. Review status: criteria provided, single submitter. Criteria: CeGaT Center For Human Genetics Tuebingen Variant Classification Criteria Version 2. Collection method: clinical testing. Allele origin: germline. Affected: yes. Observed: 1 variant allele.
Comment: PLEKHA5: BP4, BP7

NM_001256470.2(PLEKHA5):c.3453C>T (p.Thr1151=)

Gene: PLEKHA5 (pleckstrin homology domain containing A5; plus strand). Cytogenetic location: 12p12.3.
Variant type: single nucleotide variant.
Coding change: c.3453C>T on transcript NM_001256470.2 (MANE Select); coding-DNA position 3453, C replaced by T.
Protein change: p.Thr1151=; no amino-acid change (threonine 1151 retained).
Molecular consequence: synonymous variant. On other transcripts: non-coding transcript variant (6).
Genome position (GRCh38, 1-based): chr12:19,359,516, C>T. VCF-style: chr12-19359516-C-T. GRCh37 (hg19) VCF-style: chr12-19512450-C-T.
Other names: c.3090C>T, p.Thr1030= (NM_001385934.1); c.3075C>T, p.Thr1025= (NM_001385935.1); c.3072C>T, p.Thr1024= (NM_001385936.1); c.3033C>T, p.Thr1011= (NM_001385937.1); c.2940C>T, p.Thr980= (NM_001385938.1, NM_001385939.1); c.2937C>T, p.Thr979= (NM_001385940.1); c.2922C>T, p.Thr974= (NM_001385941.1, NM_001385947.1); c.2904C>T, p.Thr968= (NM_001385942.1); and 30 more.
Identifiers: ClinVar variation 2642770 (VCV002642770.22), dbSNP rs762368741, ClinGen allele CA6472853.